The following is an entry in ClinVar:

ClinVar aggregate classification (germline): Uncertain significance. Review status: criteria provided, multiple submitters, no conflicts (2 of 4 stars). 2 submissions from 2 submitters: Uncertain significance (2). Last evaluated 2026-07-02.

Conditions:
Hereditary cancer-predisposing syndrome. Also called: Tumor predisposition; Hereditary neoplastic syndrome; Hereditary Cancer Syndrome; Neoplastic Syndromes, Hereditary. Identifiers: Orphanet 140162, MedGen C0027672, MeSH D009386, MONDO:0015356.

Submissions (2):

Ambry Genetics
Classification: Uncertain significance for Hereditary cancer-predisposing syndrome. Last evaluated: 2026-07-02. Review status: criteria provided, single submitter. Criteria: Ambry Variant Classification Scheme 2023. Collection method: clinical testing. Allele origin: germline.
Comment: The p.V306L variant (also known as c.916G>C), located in coding exon 7 of the FH gene, results from a G to C substitution at nucleotide position 916. The valine at codon 306 is replaced by leucine, an amino acid with highly similar properties. This amino acid position is conserved. In addition, this alteration is predicted to be deleterious by in silico analysis. Based on the available evidence, the clinical significance of this variant remains unclear.

Labcorp Genetics (formerly Invitae), Labcorp
Classification: Uncertain significance. Last evaluated: 2025-01-22. Review status: criteria provided, single submitter. Criteria: Invitae Variant Classification Sherloc (09022015). Collection method: clinical testing. Allele origin: germline.
Comment: This sequence change replaces valine, which is neutral and non-polar, with leucine, which is neutral and non-polar, at codon 306 of the FH protein (p.Val306Leu). This variant is not present in population databases (gnomAD no frequency). This variant has not been reported in the literature in individuals affected with FH-related conditions. Invitae Evidence Modeling of protein sequence and biophysical properties (such as structural, functional, and spatial information, amino acid conservation, physicochemical variation, residue mobility, and thermodynamic stability) has been performed for this missense variant. However, the output from this modeling did not meet the statistical confidence thresholds required to predict the impact of this variant on FH protein function. In summary, the available evidence is currently insufficient to determine the role of this variant in disease. Therefore, it has been classified as a Variant of Uncertain Significance.

NM_000143.4(FH):c.916G>C (p.Val306Leu)

Gene: FH (fumarate hydratase; minus strand). Cytogenetic location: 1q43.
Variant type: single nucleotide variant.
Coding change: c.916G>C on transcript NM_000143.4 (MANE Select); coding-DNA position 916, G replaced by C.
Protein change: p.Val306Leu; replaces valine 306 with leucine.
Molecular consequence: missense variant.
Genome position (GRCh38, 1-based): chr1:241,504,234, C>G on the plus strand (G>C on the coding strand, the complement: FH is on the minus strand). VCF-style: chr1-241504234-C-G. GRCh37 (hg19) VCF-style: chr1-241667534-C-G.
Other names: short protein forms V306L.
Identifiers: ClinVar variation 3667105 (VCV003667105.3).
Genomic context (GRCh38, chr1:241,504,234, plus strand): 5'-CACTGAGCTCAACCAGAGCGTCATGAGCAGCCAGAGCTTCAAATTTATTCGGAGCAGTGA[C>G]AAAAGGCAAGCCTAAAGAAAAGAAAAATATCCTAGATGGGTGAACAAGTTAAACTAAACA-3'
Protein context (NP_000134.2, residues 296-316): KVAALTGLPF[Val306Leu]TAPNKFEALA